The following is an entry in ClinVar:

NM_004817.4(TJP2):c.903dup (p.Arg302fs)

Gene: TJP2 (tight junction protein 2; plus strand). Cytogenetic location: 9q21.11.
Variant type: Duplication.
Coding change: c.903dup on transcript NM_004817.4 (MANE Select); coding-DNA position 903, one base duplicated (G; older notation c.903dupG).
Protein change: p.Arg302fs; shifts the reading frame from arginine 302.
Molecular consequence: frameshift variant.
Genome position (GRCh38, 1-based): chr9:69,221,447, G duplicated; the last of 5 consecutive G bases (chr9:69,221,443-69,221,447); duplicating any one gives the same sequence. VCF-style (leftmost placement, unchanged base first): chr9-69221442-A-AG. GRCh37 (hg19) VCF-style: chr9-71836358-A-AG.
Other names: c.834dup, p.Arg279fs (NM_001170414.2, NM_001369870.1, NM_001369871.1); c.915dup, p.Arg306fs (NM_001170415.1, NM_001369874.1, NM_001369875.1); c.996dup, p.Arg333fs (NM_001170416.2); c.903dup, p.Arg302fs (NM_001369872.1, NM_001369873.1, NM_201629.3); short protein forms R306fs, R279fs, R333fs, R302fs.
Identifiers: ClinVar variation 3662070 (VCV003662070.2).

ClinVar aggregate classification (germline): Pathogenic (1 of 4 stars; one submission).

Submission:

Labcorp Genetics (formerly Invitae), Labcorp
Classification: Pathogenic. Last evaluated: 2024-08-12. Review status: criteria provided, single submitter. Criteria: Invitae Variant Classification Sherloc (09022015). Collection method: clinical testing. Allele origin: germline.
Comment: This sequence change creates a premature translational stop signal (p.Arg302Alafs*39) in the TJP2 gene. It is expected to result in an absent or disrupted protein product. Loss-of-function variants in TJP2 are known to be pathogenic (PMID: 24614073, 25921221, 28039895). This variant is not present in population databases (gnomAD no frequency). This variant has not been reported in the literature in individuals affected with TJP2-related conditions. For these reasons, this variant has been classified as Pathogenic.

Literature cited by the submitters: PubMed 24614073; PubMed 25921221; PubMed 28039895.